The following is an entry in ClinVar:

ClinVar aggregate classification (germline): Conflicting classifications of pathogenicity. Review status: criteria provided, conflicting classifications (1 of 4 stars). 4 submissions from 4 submitters: Pathogenic (1); Likely pathogenic (1); Uncertain significance (2). Last evaluated 2025-12-11.

Conditions:
Autosomal recessive nonsyndromic hearing loss 3. Also called: NEUROSENSORY NONSYNDROMIC RECESSIVE DEAFNESS 3. Identifiers: Orphanet 90636, MedGen C1838263, MONDO:0010860, OMIM 600316.
MYO15A-related disorder. Also called: MYO15A-related condition.

Allele frequency attached by ClinVar (database versions not stated): gnomAD exomes below 0.00001; gnomAD 0.00001; TOPMed 0.00002.
gnomAD v4.1: 6 of 1,613,216 alleles (0.00037%); highest among the groups gnomAD compares: Admixed American, 0.0017%; no homozygotes.

Submissions (4):

GeneDx
Classification: Uncertain significance. Last evaluated: 2025-12-11. Review status: criteria provided, single submitter. Criteria: GeneDx Variant Classification Process June 2021. Collection method: clinical testing. Allele origin: germline.
Comment: Not observed at significant frequency in large population cohorts (gnomAD); In silico analysis supports that this missense variant has a deleterious effect on protein structure/function; This variant is associated with the following publications: (PMID: 41000418, 33398081)

Institute of Rare Diseases, West China Hospital, Sichuan University
Classification: Pathogenic for Autosomal recessive nonsyndromic hearing loss 3. Last evaluated: 2025-01-09. Review status: criteria provided, single submitter. Criteria: ClinGen HL ACMG Specifications v1. Collection method: research. Allele origin: germline. Affected: yes.
Comment: PM3_VeryStrong;PP1;PM2_Supporting;PP3

Blueprint Genetics
Classification: Likely pathogenic for MYO15A-related disorders. Last evaluated: 2022-07-08. Review status: criteria provided, single submitter. Criteria: ACMG Guidelines, 2015. Collection method: clinical testing. Allele origin: germline. Affected: yes. Observed: 1 variant allele.

Laboratory for Molecular Medicine, Mass General Brigham Personalized Medicine
Classification: Uncertain significance. Last evaluated: 2014-10-30. Review status: criteria provided, single submitter. Criteria: LMM Criteria. Collection method: clinical testing. Allele origin: germline. Observed: 1 variant allele.
Comment: The p.Asp2098Asn variant in MYO15A has not been previously reported in individua ls with hearing loss or in large population studies. Computational prediction to ols and conservation analysis suggest that this variant may impact the protein, though this information is not predictive enough to determine pathogenicity. In summary, the clinical significance of the p.Asp2098Asn variant is uncertain.

NM_016239.4(MYO15A):c.6292G>A (p.Asp2098Asn)

Gene: MYO15A (myosin XVA; plus strand). Cytogenetic location: 17p11.2.
Variant type: single nucleotide variant.
Coding change: c.6292G>A on transcript NM_016239.4 (MANE Select); coding-DNA position 6292, G replaced by A.
Protein change: p.Asp2098Asn; replaces aspartic acid 2098 with asparagine.
Molecular consequence: missense variant.
Genome position (GRCh38, 1-based): chr17:18,145,890, G>A. VCF-style: chr17-18145890-G-A. GRCh37 (hg19) VCF-style: chr17-18049204-G-A.
Other names: short protein forms D2098N.
Identifiers: ClinVar variation 164537 (VCV000164537.8), dbSNP rs727503311, ClinGen allele CA177233.